The following is an entry in ClinVar:

ClinVar aggregate classification (germline): Pathogenic (1 of 4 stars; one submission).

Submission:

Labcorp Genetics (formerly Invitae), Labcorp
Classification: Pathogenic. Last evaluated: 2023-08-10. Review status: criteria provided, single submitter. Criteria: Invitae Variant Classification Sherloc (09022015). Collection method: clinical testing. Allele origin: germline.
Comment: For these reasons, this variant has been classified as Pathogenic. This variant has not been reported in the literature in individuals affected with SKIV2L-related conditions. This variant is not present in population databases (gnomAD no frequency). This sequence change creates a premature translational stop signal (p.Ala841Argfs*37) in the SKIV2L gene. It is expected to result in an absent or disrupted protein product. Loss-of-function variants in SKIV2L are known to be pathogenic (PMID: 22444670).

Literature cited by the submitters: PubMed 22444670.

NM_006929.5(SKIC2):c.2518_2519del (p.Ala841fs)

Gene: SKIC2 (SKI2 subunit of superkiller complex; plus strand). Cytogenetic location: 6p21.33.
Variant type: Microsatellite.
Coding change: c.2518_2519del on transcript NM_006929.5 (MANE Select); coding-DNA positions 2518 to 2519, 2 bases deleted (TC; older notation c.2518_2519delTC).
Protein change: p.Ala841fs; shifts the reading frame from alanine 841.
Molecular consequence: frameshift variant.
Genome position (GRCh38, 1-based): chr6:31,967,312-31,967,313, TC deleted; deleting any 2 consecutive bases within chr6:31,967,306-31,967,313 gives the same sequence; the c. name uses the placement nearest the transcript's 3' end. VCF-style (leftmost placement, unchanged base first): chr6-31967305-GTC-G. GRCh37 (hg19) VCF-style: chr6-31935082-GTC-G.
Other names: short protein forms A841fs.
Identifiers: ClinVar variation 2799817 (VCV002799817.3), dbSNP rs2482980547, ClinGen allele CA2678077635.